The following is an entry in ClinVar:

NM_001122630.2(CDKN1C):c.499_500delinsGC (p.Leu167Ala)

Gene: CDKN1C (cyclin dependent kinase inhibitor 1C; minus strand). Cytogenetic location: 11p15.4.
Variant type: Indel.
Coding change: c.499_500delinsGC on transcript NM_001122630.2 (MANE Select); coding-DNA positions 499 to 500, CT replaced by GC.
Protein change: p.Leu167Ala; replaces leucine 167 with alanine.
Molecular consequence: missense variant. On other transcripts: intron variant (1).
Genome position (GRCh38, 1-based): chr11:2,884,957-2,884,958, AG replaced by GC on the plus strand (CT replaced by GC on the coding strand, the reverse complement: CDKN1C is on the minus strand). VCF-style: chr11-2884957-AG-GC. GRCh37 (hg19) VCF-style: chr11-2906187-AG-GC.
Other names: c.532_533delinsGC, p.Leu178Ala (NM_000076.2, NM_001362474.2); c.499_500delinsGC, p.Leu167Ala (NM_001122631.2); c.255+244_255+245delinsGC (NM_001362475.2); short protein forms L167A, L178A.
Identifiers: ClinVar variation 2156772 (VCV002156772.4), dbSNP rs2494387101, ClinGen allele CA2580082675.
Genomic context (GRCh38, chr11:2,884,957, plus strand): 5'-GGGGCCGCGACTGGAGCCGGGGCCGGAGCCGGAGCCGGAGCCGGGGCCGGGGCCGGGGCC[AG>GC]GACCGCGACCGCGACCGGAGCCGCGACCGGAGCCGCGACCGGAGCCGGAGCCGGGGCCGG-3'
Protein context (NP_001116102.1, residues 157-177): PVAAPVAVAV[Leu167Ala]APAPAPAPAP

ClinVar aggregate classification (germline): Uncertain significance (1 of 4 stars; one submission).

Conditions:
Beckwith-Wiedemann syndrome (BWS). Also called: Exomphalos macroglossia gigantism syndrome; EMG SYNDROME. Identifiers: Orphanet 116, MedGen C0004903, MONDO:0007534, OMIM 130650.

Submission:

Labcorp Genetics (formerly Invitae), Labcorp
Classification: Uncertain significance for Beckwith-Wiedemann syndrome. Last evaluated: 2022-03-26. Review status: criteria provided, single submitter. Criteria: Invitae Variant Classification Sherloc (09022015). Collection method: clinical testing. Allele origin: germline.
Comment: This sequence change replaces leucine, which is neutral and non-polar, with alanine, which is neutral and non-polar, at codon 178 of the CDKN1C protein (p.Leu178Ala). The frequency data for this variant in the population databases is considered unreliable, as metrics indicate insufficient coverage at this position in the gnomAD database. This variant has not been reported in the literature in individuals affected with CDKN1C-related conditions. Experimental studies and prediction algorithms are not available or were not evaluated, and the functional significance of this variant is currently unknown. In summary, the available evidence is currently insufficient to determine the role of this variant in disease. Therefore, it has been classified as a Variant of Uncertain Significance.